The following is an entry in ClinVar:

NC_000009.12:g.(?_6606572)_(6606689_?)del

Gene: GLDC (glycine decarboxylase; minus strand). Cytogenetic location: 9p24.1.
Variant type: Deletion.
Identifiers: ClinVar variation 831868 (VCV000831868.1).

ClinVar aggregate classification (germline): Pathogenic (1 of 4 stars; one submission).

Conditions:
Glycine encephalopathy. Also called: Nonketotic hyperglycinemia; Non-ketotic hyperglycinemia. Identifiers: Orphanet 407, MedGen C0751748, MONDO:0011612, HP:0008288.

Submission:

Labcorp Genetics (formerly Invitae), Labcorp
Classification: Pathogenic for Non-ketotic hyperglycinemia. Last evaluated: 2019-10-07. Review status: criteria provided, single submitter. Criteria: Invitae Variant Classification Sherloc (09022015). Collection method: clinical testing. Allele origin: germline.
Comment: This variant is an in-frame deletion of the genomic region encompassing exon 5 of the GLDC gene. It preserves the integrity of the reading frame. This variant has been observed to be homozygous in an individual affected with glycine encephalopathy (PMID: 27362913). Experimental studies and prediction algorithms are not available for this variant, and the functional significance of the affected amino acid(s) is currently unknown. For these reasons, this variant has been classified as Pathogenic.

Literature cited by the submitters: PubMed 27362913.